The following is an entry in ClinVar:

NM_000234.3(LIG1):c.356C>T (p.Pro119Leu)

Gene: LIG1 (DNA ligase 1; minus strand). Cytogenetic location: 19q13.33.
Variant type: single nucleotide variant.
Coding change: c.356C>T on transcript NM_000234.3 (MANE Select); coding-DNA position 356, C replaced by T.
Protein change: p.Pro119Leu; replaces proline 119 with leucine.
Molecular consequence: missense variant. On other transcripts: non-coding transcript variant (6).
Genome position (GRCh38, 1-based): chr19:48,157,028, G>A on the plus strand (C>T on the coding strand, the complement: LIG1 is on the minus strand). VCF-style: chr19-48157028-G-A. GRCh37 (hg19) VCF-style: chr19-48660285-G-A.
Other names: c.266C>T, p.Pro89Leu (NM_001289063.2, NM_001320971.2); c.356C>T, p.Pro119Leu (NM_001289064.2, NM_001320970.2); short protein forms P119L, P89L.
Identifiers: ClinVar variation 1358352 (VCV001358352.4), dbSNP rs12981963, ClinGen allele CA9547345.

ClinVar aggregate classification (germline): Uncertain significance (1 of 4 stars; one submission).

gnomAD v4.1: 148 of 1,608,588 alleles (0.0092%); highest among the groups gnomAD compares: Admixed American, 0.052%; no homozygotes.

Submission:

Labcorp Genetics (formerly Invitae), Labcorp
Classification: Uncertain significance. Last evaluated: 2026-01-11. Review status: criteria provided, single submitter. Criteria: Invitae Variant Classification Sherloc (09022015). Collection method: clinical testing. Allele origin: germline.
Comment: This sequence change replaces proline, which is neutral and non-polar, with leucine, which is neutral and non-polar, at codon 119 of the LIG1 protein (p.Pro119Leu). This variant is present in population databases (rs12981963, gnomAD 0.08%). This variant has not been reported in the literature in individuals affected with LIG1-related conditions. ClinVar contains an entry for this variant (Variation ID: 1358352). An algorithm developed to predict the effect of missense changes on protein structure and function (PolyPhen-2) suggests that this variant is likely to be tolerated. In summary, the available evidence is currently insufficient to determine the role of this variant in disease. Therefore, it has been classified as a Variant of Uncertain Significance.